The following is an entry in ClinVar:

NM_001042492.3(NF1):c.2827A>G (p.Lys943Glu)

Gene: NF1 (neurofibromin 1; plus strand). Cytogenetic location: 17q11.2.
Variant type: single nucleotide variant.
Coding change: c.2827A>G on transcript NM_001042492.3 (MANE Select); coding-DNA position 2827, A replaced by G.
Protein change: p.Lys943Glu; replaces lysine 943 with glutamic acid.
Molecular consequence: missense variant.
Genome position (GRCh38, 1-based): chr17:31,229,442, A>G. VCF-style: chr17-31229442-A-G. GRCh37 (hg19) VCF-style: chr17-29556460-A-G.
Other names: c.2827A>G, p.Lys943Glu (NM_000267.4); short protein forms K943E.
Identifiers: ClinVar variation 1477782 (VCV001477782.10), dbSNP rs1567849199, ClinGen allele CA398985813.

ClinVar aggregate classification (germline): Uncertain significance. Review status: criteria provided, multiple submitters, no conflicts (2 of 4 stars). 2 submissions from 2 submitters: Uncertain significance (2). Last evaluated 2025-06-23.

Conditions:
Cardiovascular phenotype. Identifiers: MedGen CN230736.
Hereditary cancer-predisposing syndrome. Also called: Hereditary neoplastic syndrome; Tumor predisposition; Neoplastic Syndromes, Hereditary; Hereditary Cancer Syndrome. Identifiers: Orphanet 140162, MedGen C0027672, MeSH D009386, MONDO:0015356.
Neurofibromatosis, type 1 (NF1). Also called: Neurofibromatosis, type I; VON RECKLINGHAUSEN DISEASE; NEUROFIBROMATOSIS, TYPE I, SOMATIC; Peripheral type neurofibromatosis. Identifiers: Orphanet 636, MedGen C0027831, MONDO:0018975, OMIM 162200. Disease mechanism: loss of function.

Submissions (2):

Labcorp Genetics (formerly Invitae), Labcorp
Classification: Uncertain significance for Neurofibromatosis, type 1. Last evaluated: 2025-06-23. Review status: criteria provided, single submitter. Criteria: Invitae Variant Classification Sherloc (09022015). Collection method: clinical testing. Allele origin: germline.
Comment: This sequence change replaces lysine, which is basic and polar, with glutamic acid, which is acidic and polar, at codon 943 of the NF1 protein (p.Lys943Glu). This variant is not present in population databases (gnomAD no frequency). This variant has not been reported in the literature in individuals affected with NF1-related conditions. ClinVar contains an entry for this variant (Variation ID: 1477782). Invitae Evidence Modeling of protein sequence and biophysical properties (such as structural, functional, and spatial information, amino acid conservation, physicochemical variation, residue mobility, and thermodynamic stability) indicates that this missense variant is not expected to disrupt NF1 protein function with a negative predictive value of 95%. In summary, the available evidence is currently insufficient to determine the role of this variant in disease. Therefore, it has been classified as a Variant of Uncertain Significance.

Ambry Genetics
Classification: Uncertain significance for Cardiovascular phenotype; Hereditary cancer-predisposing syndrome. Last evaluated: 2022-10-13. Review status: criteria provided, single submitter. Criteria: Ambry Variant Classification Scheme 2023. Collection method: clinical testing. Allele origin: germline.
Comment: The p.K943E variant (also known as c.2827A>G), located in coding exon 21 of the NF1 gene, results from an A to G substitution at nucleotide position 2827. The lysine at codon 943 is replaced by glutamic acid, an amino acid with similar properties. This amino acid position is conserved. In addition, the in silico prediction for this alteration is inconclusive. Since supporting evidence is limited at this time, the clinical significance of this alteration remains unclear.